The following is an entry in ClinVar:

ClinVar aggregate classification (germline): Uncertain significance (1 of 4 stars; one submission).

Submission:

Women's Health and Genetics/Laboratory Corporation of America, LabCorp
Classification: Uncertain significance. Last evaluated: 2025-12-04. Review status: criteria provided, single submitter. Criteria: LabCorp Variant Classification Summary - May 2015. Collection method: clinical testing. Allele origin: germline.
Comment: Variant summary: KIF11 c.*13T>C is located in the untranslated mRNA region downstream of the termination codon. The variant was absent in 231648 control chromosomes. The available data on variant occurrences in the general population are insufficient to allow any conclusion about variant significance. To our knowledge, no occurrence of c.*13T>C in individuals affected with KIF11-related conditions and no experimental evidence demonstrating its impact on protein function have been reported. No submitters have cited clinical-significance assessments for this variant to ClinVar. Based on the evidence outlined above, the variant was classified as uncertain significance.

NM_004523.4(KIF11):c.*13T>C

Gene: KIF11 (kinesin family member 11; plus strand). Cytogenetic location: 10q23.33.
Variant type: single nucleotide variant.
Coding change: c.*13T>C on transcript NM_004523.4 (MANE Select); 13 bases downstream of the stop codon, T replaced by C.
Molecular consequence: 3 prime UTR variant.
Genome position (GRCh38, 1-based): chr10:92,653,809, T>C. VCF-style: chr10-92653809-T-C. GRCh37 (hg19) VCF-style: chr10-94413566-T-C.
Identifiers: ClinVar variation 4688580 (VCV004688580.1).